The following is an entry in ClinVar:

NM_016006.6(ABHD5):c.*1110G>C

Gene: ABHD5 (abhydrolase domain containing 5, lysophosphatidic acid acyltransferase; plus strand). Cytogenetic location: 3p21.33.
Variant type: single nucleotide variant.
Coding change: c.*1110G>C on transcript NM_016006.6 (MANE Select); 1110 bases downstream of the stop codon, G replaced by C.
Molecular consequence: 3 prime UTR variant. On other transcripts: non-coding transcript variant (1), intron variant (1).
Genome position (GRCh38, 1-based): chr3:43,719,642, G>C. VCF-style: chr3-43719642-G-C. GRCh37 (hg19) VCF-style: chr3-43761134-G-C.
Other names: c.*1110G>C (NM_001365649.1); c.*1136G>C (NM_001365650.1); c.29+1081G>C (NM_001355186.2).
Identifiers: ClinVar variation 345235 (VCV000345235.5), dbSNP rs2191361, ClinGen allele CA10616484.

ClinVar aggregate classification (germline): Benign (1 of 4 stars; one submission).

Conditions:
Triglyceride storage disease with ichthyosis (CDS). Also called: Dorfman-Chanarin disease; ICHTHYOSIFORM ERYTHRODERMA WITH LEUKOCYTE VACUOLATION; TRIGLYCERIDE STORAGE DISEASE WITH IMPAIRED LONG-CHAIN FATTY ACID OXIDATION; Chanarin-Dorfman Syndrome. Identifiers: Orphanet 98907, MedGen C0268238, MONDO:0010155, OMIM 275630.

Allele frequency attached by ClinVar (database versions not stated): gnomAD 0.08040 and 0.08614; TOPMed 0.09139; 1000 Genomes Project 30x 0.13866; 1000 Genomes Project 0.13958.

Submission:

Illumina Laboratory Services, Illumina
Classification: Benign for Triglyceride storage disease with ichthyosis. Last evaluated: 2018-01-13. Review status: criteria provided, single submitter. Criteria: ICSL Variant Classification Criteria 13 December 2019. Collection method: clinical testing. Allele origin: germline.
Comment: This variant was observed in the ICSL laboratory as part of a predisposition screen in an ostensibly healthy population. It had not been previously curated by ICSL or reported in the Human Gene Mutation Database (HGMD: prior to June 1st, 2018), and was therefore a candidate for classification through an automated scoring system. Utilizing variant allele frequency, disease prevalence and penetrance estimates, and inheritance mode, an automated score was calculated to assess if this variant is too frequent to cause the disease. Based on the score and internal cut-off values, a variant classified as benign is not then subjected to further curation. The score for this variant resulted in a classification of benign for this disease.